The following is an entry in ClinVar:

ClinVar aggregate classification (germline): Uncertain significance (1 of 4 stars; one submission).

Conditions:
Familial sleep-related hypermotor epilepsy. Also called: Autosomal Dominant Sleep-Related Hypermotor (Hyperkinetic) Epilepsy. Identifiers: Orphanet 98784, MedGen C3696898, MONDO:0000030.

Submission:

Labcorp Genetics (formerly Invitae), Labcorp
Classification: Uncertain significance. Last evaluated: 2023-12-06. Review status: criteria provided, single submitter. Criteria: Invitae Variant Classification Sherloc (09022015). Collection method: clinical testing. Allele origin: unknown.
Comment: A gross deletion of the genomic region encompassing the full coding sequence of the CHRNB2 gene has been identified. The current clinical and genetic evidence is not sufficient to establish whether loss-of-function variants in CHRNB2 cause disease. The boundaries of this event are unknown as they extend beyond the assayed region for this gene and therefore may encompass additional genes. This variant has not been reported in the literature in individuals affected with CHRNB2-related conditions. In summary, the available evidence is currently insufficient to determine the role of this variant in disease. Therefore, it has been classified as a Variant of Uncertain Significance.

NC_000001.10:g.(?_154540521)_(154580482_?)del

Genes: ADAR (adenosine deaminase RNA specific; minus strand), CHRNB2 (cholinergic receptor nicotinic beta 2 subunit; plus strand). Cytogenetic location: 1q21.3.
Variant type: Deletion.
Identifiers: ClinVar variation 3247865 (VCV003247865.1).